The following is an entry in ClinVar:

NM_001367624.2(ZNF469):c.10978G>A (p.Gly3660Arg)

Gene: ZNF469 (zinc finger protein 469; plus strand). Cytogenetic location: 16q24.2.
Variant type: single nucleotide variant.
Coding change: c.10978G>A on transcript NM_001367624.2 (MANE Select); coding-DNA position 10978, G replaced by A.
Protein change: p.Gly3660Arg; replaces glycine 3660 with arginine.
Molecular consequence: missense variant.
Genome position (GRCh38, 1-based): chr16:88,438,448, G>A. VCF-style: chr16-88438448-G-A. GRCh37 (hg19) VCF-style: chr16-88504856-G-A.
Other names: NM_001127464.1:c.10894G>A; short protein forms G3660R.
Identifiers: ClinVar variation 1788325 (VCV001788325.2), dbSNP rs1455398851, ClinGen allele CA397128716.
Genomic context (GRCh38, chr16:88,438,448, plus strand): 5'-GAAGACCACCTACTTCAGAAAGAGAAGGAGGTGTCCTCAAGCCACATGGTGTCTGAGGGG[G>A]GGCCCCGAGGCGCCTTCCACAAGGGCAGCGCCACCAAGCCTGCGGGCTGCCAGAGCTCAT-3'
Protein context (NP_001354553.1, residues 3650-3670): VSSSHMVSEG[Gly3660Arg]PRGAFHKGSA

ClinVar aggregate classification (germline): Uncertain significance (1 of 4 stars; one submission).

Conditions:
Cardiovascular phenotype. Identifiers: MedGen CN230736.

Allele frequency attached by ClinVar (database versions not stated): gnomAD 0.00001; gnomAD exomes 0.00004.

Submission:

Ambry Genetics
Classification: Uncertain significance for Cardiovascular phenotype. Last evaluated: 2021-08-05. Review status: criteria provided, single submitter. Criteria: Ambry Variant Classification Scheme 2023. Collection method: clinical testing. Allele origin: germline.
Comment: The p.G3632R variant (also known as c.10894G>A), located in coding exon 2 of the ZNF469 gene, results from a G to A substitution at nucleotide position 10894. The glycine at codon 3632 is replaced by arginine, an amino acid with dissimilar properties. This amino acid position is conserved. In addition, this alteration is predicted to be tolerated by in silico analysis. Since supporting evidence is limited at this time, the clinical significance of this alteration remains unclear.